The following is an entry in ClinVar:

NM_033026.6(PCLO):c.7251_7256dup (p.Pro2425_Pro2426dup)

Gene: PCLO (piccolo presynaptic cytomatrix protein; minus strand). Cytogenetic location: 7q21.11.
Variant type: Duplication.
Coding change: c.7251_7256dup on transcript NM_033026.6 (MANE Select); coding-DNA positions 7251 to 7256, 6 bases duplicated (TCCACC; older notation c.7251_7256dupTCCACC).
Protein change: p.Pro2425_Pro2426dup.
Molecular consequence: inframe insertion.
Genome position (GRCh38, 1-based): chr7:82,953,697-82,953,702, GGTGGA duplicated on the plus strand (TCCACC on the coding strand, the reverse complement: PCLO is on the minus strand); duplicating any 6 consecutive bases within chr7:82,953,697-82,953,704 gives the same sequence; the c. name uses the placement nearest the transcript's 3' end. VCF-style (leftmost placement, unchanged base first): chr7-82953696-T-TGGTGGA. GRCh37 (hg19) VCF-style: chr7-82583012-T-TGGTGGA.
Other names: c.7251_7256dup, p.Pro2425_Pro2426dup (NM_014510.3).
Identifiers: ClinVar variation 1480300 (VCV001480300.6), dbSNP rs1795424006, ClinGen allele CA1103800178.
Genomic context (GRCh38, chr7:82,953,696, plus strand): 5'-AGGAAGAATAGTTGGTTTAGGTGAAGTTGGTGGAGGAAGTGGTGGGGGAGGAGGGGGTGG[T>TGGTGGA]GGTGGAGGAGGAGGAGGAGGGGGAGGGGGAGGAGGGGGAGGAGGTTGAGCTGATATATCC-3'

ClinVar aggregate classification (germline): Uncertain significance (1 of 4 stars; one submission).

Submission:

Labcorp Genetics (formerly Invitae), Labcorp
Classification: Uncertain significance. Last evaluated: 2022-08-16. Review status: criteria provided, single submitter. Criteria: Invitae Variant Classification Sherloc (09022015). Collection method: clinical testing. Allele origin: germline.
Comment: In summary, the available evidence is currently insufficient to determine the role of this variant in disease. Therefore, it has been classified as a Variant of Uncertain Significance. This variant is not present in population databases (gnomAD no frequency). This variant has not been reported in the literature in individuals affected with PCLO-related conditions. ClinVar contains an entry for this variant (Variation ID: 1480300). Experimental studies and prediction algorithms are not available or were not evaluated, and the functional significance of this variant is currently unknown. This variant, c.7251_7256dup, results in the insertion of 2 amino acid(s) of the PCLO protein (p.Pro2425_Pro2426dup), but otherwise preserves the integrity of the reading frame.